The following is an entry in ClinVar:

ClinVar aggregate classification (germline): Uncertain significance (1 of 4 stars; one submission).

Conditions:
Familial cold autoinflammatory syndrome 3 (FCAS3). Also called: FAMILIAL ATYPICAL COLD URTICARIA; ANTIBODY DEFICIENCY AND IMMUNE DYSREGULATION, PLCG2-ASSOCIATED. Identifiers: Orphanet 300359, MedGen C3280914, MONDO:0013766, OMIM 614468.

Submission:

Labcorp Genetics (formerly Invitae), Labcorp
Classification: Uncertain significance for Familial cold autoinflammatory syndrome 3. Last evaluated: 2025-11-23. Review status: criteria provided, single submitter. Criteria: Invitae Variant Classification Sherloc (09022015). Collection method: clinical testing. Allele origin: germline.
Comment: This sequence change replaces valine, which is neutral and non-polar, with alanine, which is neutral and non-polar, at codon 886 of the PLCG2 protein (p.Val886Ala). This variant is not present in population databases (gnomAD no frequency). This variant has not been reported in the literature in individuals affected with PLCG2-related conditions. An algorithm developed to predict the effect of missense changes on protein structure and function (PolyPhen-2) suggests that this variant is likely to be tolerated. In summary, the available evidence is currently insufficient to determine the role of this variant in disease. Therefore, it has been classified as a Variant of Uncertain Significance.

NM_002661.5(PLCG2):c.2657T>C (p.Val886Ala)

Gene: PLCG2 (phospholipase C gamma 2; plus strand). Cytogenetic location: 16q23.3.
Variant type: single nucleotide variant.
Coding change: c.2657T>C on transcript NM_002661.5 (MANE Select); coding-DNA position 2657, T replaced by C.
Protein change: p.Val886Ala; replaces valine 886 with alanine.
Molecular consequence: missense variant.
Genome position (GRCh38, 1-based): chr16:81,931,572, T>C. VCF-style: chr16-81931572-T-C. GRCh37 (hg19) VCF-style: chr16-81965177-T-C.
Other names: c.2657T>C, p.Val886Ala (NM_001425749.1, NM_001425750.1, NM_001425751.1); short protein forms V886A.
Identifiers: ClinVar variation 4777764 (VCV004777764.1).